The following is an entry in ClinVar:

NM_014927.5(CNKSR2):c.3010A>G (p.Thr1004Ala)

Gene: CNKSR2 (connector enhancer of kinase suppressor of Ras 2; plus strand). Cytogenetic location: Xp22.12.
Variant type: single nucleotide variant.
Coding change: c.3010A>G on transcript NM_014927.5 (MANE Select); coding-DNA position 3010, A replaced by G.
Protein change: p.Thr1004Ala; replaces threonine 1004 with alanine.
Molecular consequence: missense variant.
Genome position (GRCh38, 1-based): chrX:21,652,426, A>G. VCF-style: chrX-21652426-A-G. GRCh37 (hg19) VCF-style: chrX-21670544-A-G.
Other names: c.2920A>G, p.Thr974Ala (NM_001168647.3); c.2863A>G, p.Thr955Ala (NM_001330770.2); c.2773A>G, p.Thr925Ala (NM_001330772.2); c.3010A>G (NM_014927.4, NM_014927.3); short protein forms T1004A, T925A, T955A, T974A.
Identifiers: ClinVar variation 2440157 (VCV002440157.10), dbSNP rs945685621, ClinGen allele CA327439155.
Genomic context (GRCh38, chrX:21,652,426, plus strand): 5'-AAAGAATTCCAACAATGGAAGCAGATGTACCTCGACCTTTTCTTGGATATCTGTCAAAAT[A>G]CCACCTCAAATGACCCACTGAGTATTTCTTCTGAAGTAGATGTAATCACTTCCTCTCTAG-3'
Protein context (NP_055742.2, residues 994-1014): LDLFLDICQN[Thr1004Ala]TSNDPLSISS

ClinVar aggregate classification (germline): Conflicting classifications of pathogenicity. Review status: criteria provided, conflicting classifications (1 of 4 stars). 4 submissions from 4 submitters: Uncertain significance (2); Likely benign (1). 1 of the submissions does not count toward it. Last evaluated 2026-03-01.

Conditions:
Inborn genetic diseases. Identifiers: MedGen C0950123, MeSH D030342.
Intellectual developmental disorder, X-linked, syndromic, Houge type. Also called: Intellectual disability, X-linked, syndromic, Houge type; MENTAL RETARDATION, X-LINKED, SYNDROMIC, HOUGE TYPE. Identifiers: MedGen C4538788, MONDO:0030909, OMIM 301008.
CNKSR2-related disorder. Also called: CNKSR2-related condition.

Allele frequency attached by ClinVar (database versions not stated): gnomAD exomes 0.00001.
gnomAD v4.1: 10 of 1,209,059 alleles (0.00083%); highest among the groups gnomAD compares: Middle Eastern, 0.092%; no homozygotes.

Submissions (4):

CeGaT Center for Human Genetics Tuebingen
Classification: Likely benign. Last evaluated: 2026-03-01. Review status: criteria provided, single submitter. Criteria: CeGaT Center For Human Genetics Tuebingen Variant Classification Criteria Version 2. Collection method: clinical testing. Allele origin: germline. Affected: yes. Observed: 1 variant allele.
Comment: CNKSR2: BP4

Ambry Genetics
Classification: Uncertain significance for Inborn genetic diseases. Last evaluated: 2024-05-08. Review status: criteria provided, single submitter. Criteria: Ambry Variant Classification Scheme 2023. Collection method: clinical testing. Allele origin: germline.

Revvity Omics, Revvity
Classification: Uncertain significance for Intellectual developmental disorder, X-linked, syndromic, Houge type. Last evaluated: 2022-03-21. Review status: criteria provided, single submitter. Criteria: ACMG Guidelines, 2015. Collection method: clinical testing. Allele origin: germline.

PreventionGenetics, part of Exact Sciences
Classification: Uncertain significance for CNKSR2-related condition. Last evaluated: 2023-12-13. Review status: no assertion criteria provided. Collection method: clinical testing. Allele origin: germline. Not counted in ClinVar's aggregate classification.
Comment: The CNKSR2 c.3010A>G variant is predicted to result in the amino acid substitution p.Thr1004Ala. To our knowledge, this variant has not been reported in the literature or in a large population database, indicating this variant is rare. This alteration is in the terminal exon, and no other variants nearby have been reported as causative. At this time, the clinical significance of this variant is uncertain due to the absence of conclusive functional and genetic evidence.